The following is an entry in ClinVar:

NM_000257.4(MYH7):c.5504_5505del (p.Glu1835fs)

Gene: MYH7 (myosin heavy chain 7; minus strand). Cytogenetic location: 14q11.2.
Variant type: Microsatellite.
Coding change: c.5504_5505del on transcript NM_000257.4 (MANE Select); coding-DNA positions 5504 to 5505, 2 bases deleted (AG; older notation c.5504_5505delAG).
Protein change: p.Glu1835fs; shifts the reading frame from glutamic acid 1835.
Molecular consequence: frameshift variant.
Genome position (GRCh38, 1-based): chr14:23,415,049-23,415,050, CT deleted on the plus strand (AG on the coding strand, the reverse complement: MYH7 is on the minus strand); deleting any 2 consecutive bases within chr14:23,415,049-23,415,052 gives the same sequence; the c. name uses the placement nearest the transcript's 3' end. VCF-style (leftmost placement, unchanged base first): chr14-23415048-ACT-A. GRCh37 (hg19) VCF-style: chr14-23884257-ACT-A.
Other names: c.5504_5505delAG (NM_000257.4); c.5504_5505del, p.Glu1835fs (NM_001407004.1); short protein forms E1835fs.
Identifiers: ClinVar variation 2625313 (VCV002625313.6), dbSNP rs767130951, ClinGen allele CA047040.

ClinVar aggregate classification (germline): Uncertain significance. Review status: criteria provided, multiple submitters, no conflicts (2 of 4 stars). 3 submissions from 3 submitters: Uncertain significance (3). Last evaluated 2025-07-25.

Conditions:
Cardiovascular phenotype. Identifiers: MedGen CN230736.
Hypertrophic cardiomyopathy. Also called: HYPERTROPHIC MYOCARDIOPATHY. Identifiers: Orphanet 217569, MedGen C0007194, MeSH D002312, MONDO:0005045, HP:0001639.

Submissions (3):

Women's Health and Genetics/Laboratory Corporation of America, LabCorp
Classification: Uncertain significance. Last evaluated: 2025-07-25. Review status: criteria provided, single submitter. Criteria: LabCorp Variant Classification Summary - May 2015. Collection method: clinical testing. Allele origin: germline.
Comment: Variant summary: MYH7 c.5504_5505delAG (p.Glu1835ValfsX70) results in a premature termination codon, predicted to cause a truncation of the encoded protein or absence of the protein due to nonsense mediated decay, however current evidence is not sufficient to establish loss of function as a mechanism for disease. The variant allele was found at a frequency of 4e-06 in 250506 control chromosomes. The available data on variant occurrences in the general population are insufficient to allow any conclusion about variant significance. To our knowledge, no occurrence of c.5504_5505delAG in individuals affected with Cardiomyopathy and no experimental evidence demonstrating its impact on protein function have been reported. ClinVar contains an entry for this variant (Variation ID: 2625313). Based on the evidence outlined above, the variant was classified as uncertain significance.

Ambry Genetics
Classification: Uncertain significance for Cardiovascular phenotype. Last evaluated: 2023-07-09. Review status: criteria provided, single submitter. Criteria: Ambry Variant Classification Scheme 2023. Collection method: clinical testing. Allele origin: germline.
Comment: The c.5504_5505delAG variant, located in coding exon 35 of the MYH7 gene, results from a deletion of two nucleotides at nucleotide positions 5504 to 5505, causing a translational frameshift with a predicted alternate stop codon (p.E1835Vfs*70). This alteration is expected to result in protein truncation or nonsense-mediated mRNA decay. However, loss of function of MYH7 has not been established as a mechanism of disease. Since supporting evidence is limited at this time, the clinical significance of this alteration remains unclear.

Labcorp Genetics (formerly Invitae), Labcorp
Classification: Uncertain significance for Hypertrophic cardiomyopathy. Last evaluated: 2023-04-22. Review status: criteria provided, single submitter. Criteria: Invitae Variant Classification Sherloc (09022015). Collection method: clinical testing. Allele origin: germline.
Comment: In summary, the available evidence is currently insufficient to determine the role of this variant in disease. Therefore, it has been classified as a Variant of Uncertain Significance. This variant has not been reported in the literature in individuals affected with MYH7-related conditions. This variant is not present in population databases (gnomAD no frequency). This sequence change creates a premature translational stop signal (p.Glu1835Valfs*70) in the MYH7 gene. It is expected to result in an absent or disrupted protein product. However, the current clinical and genetic evidence is not sufficient to establish whether loss-of-function variants in MYH7 cause disease.